The following is an entry in ClinVar:

NM_000603.5(NOS3):c.554T>C (p.Val185Ala)

Gene: NOS3 (nitric oxide synthase 3; plus strand). Cytogenetic location: 7q36.1.
Variant type: single nucleotide variant.
Coding change: c.554T>C on transcript NM_000603.5 (MANE Select); coding-DNA position 554, T replaced by C.
Protein change: p.Val185Ala; replaces valine 185 with alanine.
Molecular consequence: missense variant.
Genome position (GRCh38, 1-based): chr7:150,996,897, T>C. VCF-style: chr7-150996897-T-C. GRCh37 (hg19) VCF-style: chr7-150693985-T-C.
Other names: c.554T>C, p.Val185Ala (NM_001160109.2, NM_001160110.1, NM_001160111.1); short protein forms V185A.
Identifiers: ClinVar variation 3880445 (VCV003880445.3).
Genomic context (GRCh38, chr7:150,996,897, plus strand): 5'-TTAGGGAGAGCGAGCTGGTGTTCGGGGCTAAGCAGGCCTGGCGCAACGCTCCCCGCTGCG[T>C]GGGCCGGATCCAGTGGGGGAAGCTGCAGGTGCGGCTGGCCAGCGACTGAGAGACCCGGGC-3'
Protein context (NP_000594.2, residues 175-195): KQAWRNAPRC[Val185Ala]GRIQWGKLQV

ClinVar aggregate classification (germline): Uncertain significance. Review status: criteria provided, multiple submitters, no conflicts (2 of 4 stars). 2 submissions from 2 submitters: Uncertain significance (2). Last evaluated 2025-07-31.

gnomAD v4.1: 6 of 1,579,316 alleles (0.00038%); highest among the groups gnomAD compares: African/African-American, 0.0081%; no homozygotes.

Submissions (2):

Dasa
Classification: Uncertain significance. Last evaluated: 2025-07-31. Review status: criteria provided, single submitter. Criteria: DASA Assertion Criteria. Collection method: clinical testing. Allele origin: germline.
Comment: NM_000603.5(NOS3):c.554T>C (p.Val185Ala) is a missense variant that results in the substitution of valine with alanine. This variant is rare in population databases. The currently available literature and clinical evidence are not sufficient to establish a definitive association between this variant and the reported condition. Therefore, this variant is classified as a variant of uncertain significance.

Ambry Genetics
Classification: Uncertain significance. Last evaluated: 2025-01-03. Review status: criteria provided, single submitter. Criteria: Ambry Variant Classification Scheme 2023. Collection method: clinical testing. Allele origin: germline.